The following is an entry in ClinVar:

ClinVar aggregate classification (germline): Uncertain significance (1 of 4 stars; one submission).

gnomAD v4.1: 11 of 1,612,500 alleles (0.00068%); highest among the groups gnomAD compares: South Asian, 0.012%; no homozygotes.

Submission:

Ambry Genetics
Classification: Uncertain significance. Last evaluated: 2024-12-12. Review status: criteria provided, single submitter. Criteria: Ambry Variant Classification Scheme 2023. Collection method: clinical testing. Allele origin: germline.
Comment: The p.D342N variant (also known as c.1024G>A), located in coding exon 5 of the PALLD gene, results from a G to A substitution at nucleotide position 1024. The aspartic acid at codon 342 is replaced by asparagine, an amino acid with highly similar properties. This amino acid position is conserved. In addition, this alteration is predicted to be tolerated by in silico analysis. Based on the available evidence, the clinical significance of this variant remains unclear.

NM_001166108.2(PALLD):c.2536G>A (p.Asp846Asn)

Genes: CBR4 (carbonyl reductase 4; minus strand), PALLD (palladin, cytoskeletal associated protein; plus strand). Cytogenetic location: 4q32.3.
Variant type: single nucleotide variant.
Coding change: c.2536G>A on transcript NM_001166108.2 (MANE Select); coding-DNA position 2536, G replaced by A.
Protein change: p.Asp846Asn; replaces aspartic acid 846 with asparagine.
Molecular consequence: missense variant.
Genome position (GRCh38, 1-based): chr4:168,903,820, G>A. VCF-style: chr4-168903820-G-A. GRCh37 (hg19) VCF-style: chr4-169824971-G-A.
Other names: c.1339G>A, p.Asp447Asn (NM_001166109.2); c.1024G>A, p.Asp342Asn (NM_001166110.2); c.364G>A, p.Asp122Asn (NM_001367567.1, NM_001367569.1); c.415G>A, p.Asp139Asn (NM_001367568.1, NM_001367570.1); c.2485G>A, p.Asp829Asn (NM_016081.4); short protein forms D122N, D846N, D139N, D829N, D447N, D342N.
Identifiers: ClinVar variation 3885257 (VCV003885257.1).